The following is an entry in ClinVar:

NM_024915.4(GRHL2):c.974A>C (p.His325Pro)

Gene: GRHL2 (grainyhead like transcription factor 2; plus strand). Cytogenetic location: 8q22.3.
Variant type: single nucleotide variant.
Coding change: c.974A>C on transcript NM_024915.4 (MANE Select); coding-DNA position 974, A replaced by C.
Protein change: p.His325Pro; replaces histidine 325 with proline.
Molecular consequence: missense variant.
Genome position (GRCh38, 1-based): chr8:101,577,490, A>C. VCF-style: chr8-101577490-A-C. GRCh37 (hg19) VCF-style: chr8-102589718-A-C.
Other names: c.926A>C, p.His309Pro (NM_001330593.2); short protein forms H309P, H325P.
Identifiers: ClinVar variation 667242 (VCV000667242.4), dbSNP rs1586112160, ClinGen allele CA371645193.

ClinVar aggregate classification (germline): Uncertain significance (1 of 4 stars; one submission).

Submission:

Laboratory for Molecular Medicine, Mass General Brigham Personalized Medicine
Classification: Uncertain significance. Last evaluated: 2019-01-04. Review status: criteria provided, single submitter. Criteria: LMM Criteria. Collection method: clinical testing. Allele origin: germline. Observed: 1 variant allele.
Comment: The p.His325Pro variant in GRHL2 has not been previously reported in individuals with hearing loss and was absent from large population studies. Computational p rediction tools and conservation analysis suggest that this variant may impact t he protein, though this information is not predictive enough to determine pathog enicity. In summary, the clinical significance of the p.His325Pro variant is unc ertain. ACMG/AMP criteria applied: PM2, PP3.